The following is an entry in ClinVar:

ClinVar aggregate classification (germline): Uncertain significance. Review status: criteria provided, multiple submitters, no conflicts (2 of 4 stars). 3 submissions from 3 submitters: Uncertain significance (3). Last evaluated 2024-11-06.

Conditions:
Cystic fibrosis (CF). Also called: MUCOVISCIDOSIS. Identifiers: Orphanet 586, MedGen C0010674, MONDO:0009061, OMIM 219700. Disease mechanism: loss of function.

Allele frequency attached by ClinVar (database versions not stated): gnomAD exomes below 0.00001.
gnomAD v4.1: 1 of 1,611,726 alleles (0.000062%); highest among the groups gnomAD compares: South Asian, 0.0011%; no homozygotes.

Submissions (3):

Labcorp Genetics (formerly Invitae), Labcorp
Classification: Uncertain significance for Cystic fibrosis. Last evaluated: 2024-11-06. Review status: criteria provided, single submitter. Criteria: Invitae Variant Classification Sherloc (09022015). Collection method: clinical testing. Allele origin: germline.
Comment: This sequence change replaces alanine, which is neutral and non-polar, with threonine, which is neutral and polar, at codon 872 of the CFTR protein (p.Ala872Thr). This variant is not present in population databases (gnomAD no frequency). This variant has not been reported in the literature in individuals affected with CFTR-related conditions. ClinVar contains an entry for this variant (Variation ID: 1163870). Invitae Evidence Modeling of protein sequence and biophysical properties (such as structural, functional, and spatial information, amino acid conservation, physicochemical variation, residue mobility, and thermodynamic stability) indicates that this missense variant is not expected to disrupt CFTR protein function with a negative predictive value of 80%. In summary, the available evidence is currently insufficient to determine the role of this variant in disease. Therefore, it has been classified as a Variant of Uncertain Significance.

Ambry Genetics
Classification: Uncertain significance for Cystic fibrosis. Last evaluated: 2023-08-23. Review status: criteria provided, single submitter. Criteria: Ambry Variant Classification Scheme 2023. Collection method: clinical testing. Allele origin: germline.
Comment: The p.A872T variant (also known as c.2614G>A), located in coding exon 15 of the CFTR gene, results from a G to A substitution at nucleotide position 2614. The alanine at codon 872 is replaced by threonine, an amino acid with similar properties. This amino acid position is not well conserved in available vertebrate species. In addition, the in silico prediction for this alteration is inconclusive. Since supporting evidence is limited at this time, the clinical significance of this alteration remains unclear.

Mayo Clinic Laboratories, Mayo Clinic
Classification: Uncertain significance. Last evaluated: 2020-10-02. Review status: criteria provided, single submitter. Criteria: ACMG Guidelines, 2015. Collection method: clinical testing. Allele origin: germline. Observed: 1 variant allele.

NM_000492.4(CFTR):c.2614G>A (p.Ala872Thr)

Gene: CFTR (CF transmembrane conductance regulator; plus strand). Cytogenetic location: 7q31.2.
Variant type: single nucleotide variant.
Coding change: c.2614G>A on transcript NM_000492.4 (MANE Select); coding-DNA position 2614, G replaced by A.
Protein change: p.Ala872Thr; replaces alanine 872 with threonine.
Molecular consequence: missense variant.
Genome position (GRCh38, 1-based): chr7:117,595,053, G>A. VCF-style: chr7-117595053-G-A. GRCh37 (hg19) VCF-style: chr7-117235107-G-A.
Other names: short protein forms A872T.
Identifiers: ClinVar variation 1163870 (VCV001163870.9), dbSNP rs2116039854, ClinGen allele CA368984080.